The following is an entry in ClinVar:

NM_001365276.2(TNXB):c.4648C>T (p.Arg1550Cys)

Gene: TNXB (tenascin XB; minus strand). Cytogenetic location: 6p21.33.
Variant type: single nucleotide variant.
Coding change: c.4648C>T on transcript NM_001365276.2 (MANE Select); coding-DNA position 4648, C replaced by T.
Protein change: p.Arg1550Cys; replaces arginine 1550 with cysteine.
Molecular consequence: missense variant.
Genome position (GRCh38, 1-based): chr6:32,073,680, G>A on the plus strand (C>T on the coding strand, the complement: TNXB is on the minus strand). VCF-style: chr6-32073680-G-A. GRCh37 (hg19) VCF-style: chr6-32041457-G-A.
Other names: c.5389C>T, p.Arg1797Cys (NM_001428335.1); c.4648C>T, p.Arg1550Cys (NM_019105.8); short protein forms R1797C, R1550C.
Identifiers: ClinVar variation 4188665 (VCV004188665.1).
Genomic context (GRCh38, chr6:32,073,680, plus strand): 5'-TGAGGACTGAGTCCCCCCATTACTCACCCGTCACGATGACCACAGACAGGGGGCCCATGC[G>A]TTGCCCATCATGTAGTCCATACATGTTCATCTTATATTTTCTCTCAGGCTCCAGGTTGTA-3'
Protein context (NP_001352205.1, residues 1540-1560): MNMYGLHDGQ[Arg1550Cys]MGPLSVVIVT

ClinVar aggregate classification (germline): Uncertain significance (1 of 4 stars; one submission).

Conditions:
Cardiovascular phenotype. Identifiers: MedGen CN230736.

gnomAD v4.1: 16 of 1,609,360 alleles (0.00099%); highest among the groups gnomAD compares: Middle Eastern, 0.066%; no homozygotes.

Submission:

Ambry Genetics
Classification: Uncertain significance for Cardiovascular phenotype. Last evaluated: 2025-06-17. Review status: criteria provided, single submitter. Criteria: Ambry Variant Classification Scheme 2023. Collection method: clinical testing. Allele origin: germline.
Comment: The p.R1550C variant (also known as c.4648C>T), located in coding exon 11 of the TNXB gene, results from a C to T substitution at nucleotide position 4648. The arginine at codon 1550 is replaced by cysteine, an amino acid with highly dissimilar properties. This amino acid position is not well conserved in available vertebrate species. In addition, this alteration is predicted to be tolerated by in silico analysis. Based on the available evidence, the clinical significance of this variant remains unclear.